The following is an entry in ClinVar:

ClinVar aggregate classification (germline): Uncertain significance. Review status: criteria provided, multiple submitters, no conflicts (2 of 4 stars). 2 submissions from 2 submitters: Uncertain significance (2). Last evaluated 2023-05-15.

Conditions:
Mitochondrial complex IV deficiency, nuclear type 8. Also called: Mitochondrial complex 4 deficiency, nuclear type 8. Identifiers: MedGen C5436689, MONDO:0033638, OMIM 619052.

Allele frequency attached by ClinVar (database versions not stated): gnomAD exomes 0.00001 and 0.00002; ExAC 0.00002; gnomAD 0.00002; TOPMed 0.00002.

Submissions (2):

Labcorp Genetics (formerly Invitae), Labcorp
Classification: Uncertain significance. Last evaluated: 2023-05-15. Review status: criteria provided, single submitter. Criteria: Invitae Variant Classification Sherloc (09022015). Collection method: clinical testing. Allele origin: germline.
Comment: In summary, the available evidence is currently insufficient to determine the role of this variant in disease. Therefore, it has been classified as a Variant of Uncertain Significance. Advanced modeling of protein sequence and biophysical properties (such as structural, functional, and spatial information, amino acid conservation, physicochemical variation, residue mobility, and thermodynamic stability) performed at Invitae indicates that this missense variant is not expected to disrupt TACO1 protein function. ClinVar contains an entry for this variant (Variation ID: 1394869). This variant has not been reported in the literature in individuals affected with TACO1-related conditions. This variant is present in population databases (rs768292534, gnomAD 0.01%). This sequence change replaces valine, which is neutral and non-polar, with isoleucine, which is neutral and non-polar, at codon 229 of the TACO1 protein (p.Val229Ile).

Fulgent Genetics
Classification: Uncertain significance for Mitochondrial complex IV deficiency, nuclear type 8. Last evaluated: 2022-01-12. Review status: criteria provided, single submitter. Criteria: ACMG Guidelines, 2015. Collection method: clinical testing. Allele origin: unknown.

NM_016360.4(TACO1):c.685G>A (p.Val229Ile)

Gene: TACO1 (translational activator of cytochrome c oxidase I; plus strand). Cytogenetic location: 17q23.3.
Variant type: single nucleotide variant.
Coding change: c.685G>A on transcript NM_016360.4 (MANE Select); coding-DNA position 685, G replaced by A.
Protein change: p.Val229Ile; replaces valine 229 with isoleucine.
Molecular consequence: missense variant.
Genome position (GRCh38, 1-based): chr17:63,607,456, G>A. VCF-style: chr17-63607456-G-A. GRCh37 (hg19) VCF-style: chr17-61684816-G-A.
Other names: short protein forms V229I.
Identifiers: ClinVar variation 1394869 (VCV001394869.7), dbSNP rs768292534, ClinGen allele CA8702198.
Genomic context (GRCh38, chr17:63,607,456, plus strand): 5'-ATGGCAATCGAAGCAGGAGCTGAGGATGTCAAGGAAACTGAAGATGAAGAAGAAAGGAAC[G>A]TTTTTAAAGTAAGCATGAAAACATGGGTGTTTGGTGGGCTTCCGGGAGGACCCTGATAGA-3'
Protein context (NP_057444.2, residues 219-239): KETEDEEERN[Val229Ile]FKFICDASSL